The following is an entry in ClinVar:

NM_014991.6(WDFY3):c.9134C>G (p.Thr3045Ser)

Genes: WDFY3 (WD repeat and FYVE domain containing 3; minus strand), LOC126807101 (CDK7 strongly-dependent group 2 enhancer GRCh37_chr4:85612241-85613440; plus strand). Cytogenetic location: 4q21.23.
Variant type: single nucleotide variant.
Coding change: c.9134C>G on transcript NM_014991.6 (MANE Select); coding-DNA position 9134, C replaced by G.
Protein change: p.Thr3045Ser; replaces threonine 3045 with serine.
Molecular consequence: missense variant.
Genome position (GRCh38, 1-based): chr4:84,691,701, G>C on the plus strand (C>G on the coding strand, the complement: WDFY3 is on the minus strand). VCF-style: chr4-84691701-G-C. GRCh37 (hg19) VCF-style: chr4-85612854-G-C.
Other names: short protein forms T3045S.
Identifiers: ClinVar variation 1213742 (VCV001213742.1), dbSNP rs1729287990, ClinGen allele CA357537603.

ClinVar aggregate classification (germline): Uncertain significance (1 of 4 stars; one submission).

Conditions:
Microcephaly 18, primary, autosomal dominant (MCPH18). Identifiers: MedGen C4479608, MONDO:0054593, OMIM 617520.

Submission:

New York Genome Center
Classification: Uncertain significance for Microcephaly 18, primary, autosomal dominant. Last evaluated: 2020-11-04. Review status: criteria provided, single submitter. Criteria: NYGC Assertion Criteria 2020. Collection method: clinical testing. Allele origin: germline. Observed: 1 heterozygote. Study: CSER-NYCKidSeq.
Comment: The c.9134C>G (p.Thr3045Ser) missense variant in exon 60 of 68 of WDFY3 (not in any conserved domain)has not been reported in affected individuals in the available literature. This variant is absent in gnomADv3 indicating it is not a common benign variant in the populations represented in this database. In silico predictors suggest this variant is benign (REVEL; score:0.1209) and tolerated (SIFT; score:1). Given the lack of inheritance data and functional studies supporting its pathogenicity, the c.9134C>G (p.Thr3045Ser) variant identified in the WDFY3 gene is reported as a Variantof Uncertain Significance.